The following is an entry in ClinVar:

ClinVar aggregate classification (germline): Uncertain significance. Review status: criteria provided, multiple submitters, no conflicts (2 of 4 stars). 2 submissions from 2 submitters: Uncertain significance (2). Last evaluated 2025-01-08.

Conditions:
Dyskeratosis congenita. Identifiers: Orphanet 1775, MedGen C0265965, MONDO:0015780.
Dyskeratosis congenita, autosomal dominant 2. Identifiers: MedGen C3151443, MONDO:0013521, OMIM 613989.
Idiopathic Pulmonary Fibrosis. Also called: Idiopathic fibrosing alveolitis, chronic form; idiopathic fibrosing alveolitis. Identifiers: Orphanet 2032, MedGen C1800706, MeSH D054990, MONDO:0800504.

Submissions (2):

Ambry Genetics
Classification: Uncertain significance for Dyskeratosis congenita. Last evaluated: 2025-01-08. Review status: criteria provided, single submitter. Criteria: Ambry Variant Classification Scheme 2023. Collection method: clinical testing. Allele origin: germline.
Comment: The p.L1123V variant (also known as c.3367C>G), located in coding exon 16 of the TERT gene, results from a C to G substitution at nucleotide position 3367. The leucine at codon 1123 is replaced by valine, an amino acid with highly similar properties. This amino acid position is conserved. In addition, the in silico prediction for this alteration is inconclusive. Based on the available evidence, the clinical significance of this variant remains unclear.

Labcorp Genetics (formerly Invitae), Labcorp
Classification: Uncertain significance for Dyskeratosis congenita, autosomal dominant 2; Idiopathic Pulmonary Fibrosis. Last evaluated: 2020-02-27. Review status: criteria provided, single submitter. Criteria: Invitae Variant Classification Sherloc (09022015). Collection method: clinical testing. Allele origin: germline.
Comment: This variant is not present in population databases (ExAC no frequency) and has not been reported in the literature in individuals with a TERT-related disease. In summary, this variant is a novel missense change with uncertain impact on protein function. It has been classified as a Variant of Uncertain Significance. Algorithms developed to predict the effect of missense changes on protein structure and function do not agree on the potential impact of this missense change (SIFT: "Tolerated"; PolyPhen-2: "Possibly Damaging"; Align-GVGD: "Class C0"). This sequence change replaces leucine with valine at codon 1123 of the TERT protein (p.Leu1123Val). The leucine residue is moderately conserved and there is a small physicochemical difference between leucine and valine.

NM_198253.3(TERT):c.3367C>G (p.Leu1123Val)

Gene: TERT (telomerase reverse transcriptase; minus strand). Cytogenetic location: 5p15.33.
Variant type: single nucleotide variant.
Coding change: c.3367C>G on transcript NM_198253.3 (MANE Select); coding-DNA position 3367, C replaced by G.
Protein change: p.Leu1123Val; replaces leucine 1123 with valine.
Molecular consequence: missense variant. On other transcripts: non-coding transcript variant (2).
Genome position (GRCh38, 1-based): chr5:1,253,760, G>C on the plus strand (C>G on the coding strand, the complement: TERT is on the minus strand). VCF-style: chr5-1253760-G-C. GRCh37 (hg19) VCF-style: chr5-1253875-G-C.
Other names: c.3178C>G, p.Leu1060Val (NM_001193376.3); short protein forms L1123V, L1060V.
Identifiers: ClinVar variation 471890 (VCV000471890.10), dbSNP rs1554038052, ClinGen allele CA359066558.